The following is an entry in ClinVar:

ClinVar aggregate classification (germline): Likely pathogenic. Review status: criteria provided, single submitter (1 of 4 stars). 2 submissions from 2 submitters: Likely pathogenic (1). 1 of the submissions does not count toward it. Last evaluated 2026-03-17.

Conditions:
Developmental and epileptic encephalopathy, 9 (DEE9). Also called: JUBERG-HELLMAN SYNDROME; PCDH19-Related X-Linked Female-Limited Epilepsy with Mental Retardation; Early infantile epileptic encephalopathy 9; EPILEPSY, FEMALE-RESTRICTED, WITH MENTAL RETARDATION. Identifiers: Orphanet 101039, Orphanet 2076, MedGen C1848137, MONDO:0010246, OMIM 300088. Disease mechanism: loss of function.
PCDH19-related disorder. Also called: PCDH19-related condition.

Submissions (2):

PreventionGenetics, part of Exact Sciences
Classification: Likely pathogenic for PCDH19-related condition. Last evaluated: 2026-03-17. Review status: criteria provided, single submitter. Criteria: ACMG Guidelines, 2015. Collection method: clinical testing. Allele origin: germline.
Comment: The PCDH19 c.1343A>G variant is predicted to result in the amino acid substitution p.Asp448Gly. To our knowledge, this variant has not been reported in the literature or in a large population database (gnomAD), indicating this variant is rare. This variant occurs within a highly conserved extracellular cadherin (EC) domain in which other missense variants have been documented in patients with PCDH19-related epilepsy and developmental delay (Kolc et al. 2020. PubMed ID: 32366910). Alternate amino acid substitutions (Glu, Asn, His, Tyr) at this position have been reported in patients with seizures and developmental delay and/or epilepsy ((de novo) Miao et al. 2018. PubMed ID: 30182498; (de novo) Table S1 & S2, Shibata et al. 2021. PubMed ID: 33262389; (maternally inherited from affected mother) Smith et al. 2018. PubMed ID: 29377098; Table S2, Truty et al. 2019. PubMed ID: 31440721). Taken together, we classify this variant as likely pathogenic.

Centre de Biologie Pathologie Génétique, Centre Hospitalier Universitaire de Lille
Classification: Likely pathogenic for Early infantile epileptic encephalopathy 9. Last evaluated: 2019-01-01. Review status: no assertion criteria provided. Collection method: clinical testing. Allele origin: unknown. Affected: yes. Not counted in ClinVar's aggregate classification.

NM_001184880.2(PCDH19):c.1343A>G (p.Asp448Gly)

Gene: PCDH19 (protocadherin 19; minus strand). Cytogenetic location: Xq22.1.
Variant type: single nucleotide variant.
Coding change: c.1343A>G on transcript NM_001184880.2 (MANE Select); coding-DNA position 1343, A replaced by G.
Protein change: p.Asp448Gly; replaces aspartic acid 448 with glycine.
Molecular consequence: missense variant.
Genome position (GRCh38, 1-based): chrX:100,407,255, T>C on the plus strand (A>G on the coding strand, the complement: PCDH19 is on the minus strand). VCF-style: chrX-100407255-T-C. GRCh37 (hg19) VCF-style: chrX-99662253-T-C.
Other names: c.1343A>G, p.Asp448Gly (NM_001105243.2, NM_020766.3); short protein forms D448G.
Identifiers: ClinVar variation 975469 (VCV000975469.2), dbSNP rs1928395285, ClinGen allele CA414002935.